The following is an entry in ClinVar:

ClinVar aggregate classification (germline): Pathogenic/Likely pathogenic. Review status: criteria provided, multiple submitters, no conflicts (2 of 4 stars). 4 submissions from 4 submitters: Pathogenic (2); Likely pathogenic (2). Last evaluated 2025-10-01.

Conditions:
BEST1-related disorder. Also called: BEST1-related condition; BEST1-related disorders. Identifiers: MedGen CN239200.
Retinal dystrophy. Also called: Inherited retinal dystrophy. Identifiers: Orphanet 71862, MedGen C0854723, MeSH D058499, MONDO:0019118, HP:0000556.
Autosomal recessive bestrophinopathy. Also called: Autosomal Recessive Bestrophinopathy (ARB). Identifiers: Orphanet 139455, MedGen C3888198, MONDO:0012733, OMIM 611809.

gnomAD v4.1: 1 of 1,549,646 alleles (0.000065%); highest among the groups gnomAD compares: Non-Finnish European, 0.000087%; no homozygotes.

Submissions (4):

Labcorp Genetics (formerly Invitae), Labcorp
Classification: Pathogenic. Last evaluated: 2025-10-01. Review status: criteria provided, single submitter. Criteria: Invitae Variant Classification Sherloc (09022015). Collection method: clinical testing. Allele origin: germline.
Comment: This sequence change replaces proline, which is neutral and non-polar, with serine, which is neutral and polar, at codon 152 of the BEST1 protein (p.Pro152Ser). This variant is not present in population databases (gnomAD no frequency). This missense change has been observed in individual(s) with clinical features of autosomal recessive bestrophinopathy (PMID: 33302512; internal data). In at least one individual the data is consistent with being in trans (on the opposite chromosome) from a pathogenic variant. ClinVar contains an entry for this variant (Variation ID: 3007895). Invitae Evidence Modeling of protein sequence and biophysical properties (such as structural, functional, and spatial information, amino acid conservation, physicochemical variation, residue mobility, and thermodynamic stability) indicates that this missense variant is expected to disrupt BEST1 protein function with a positive predictive value of 95%. This variant disrupts the p.Pro152 amino acid residue in BEST1. Other variant(s) that disrupt this residue have been determined to be pathogenic (PMID: 18179881, 21330666, 24560797, 31455904). This suggests that this residue is clinically significant, and that variants that disrupt this residue are likely to be disease-causing. For these reasons, this variant has been classified as Pathogenic.

Victorian Clinical Genetics Services, Murdoch Childrens Research Institute
Classification: Likely pathogenic for Autosomal recessive bestrophinopathy. Last evaluated: 2022-09-02. Review status: criteria provided, single submitter. Criteria: ACMG Guidelines, 2015. Collection method: clinical testing. Allele origin: germline. Inheritance: Autosomal recessive inheritance. Affected: yes.
Comment: Based on the classification scheme VCGS_Germline_v1.3.4, this variant is classified as Likely pathogenic. Following criteria are met: 0103 - Dominant negative and loss of function are known mechanisms of disease in this gene. Dominant negative variants are associated with autosomal dominant disease (macular dystrophy, vitelliform, 2, MIM#153700; vitreoretinochoroidopathy, MIM#193220) while loss of function variants are associated with autosomal recessive disease (bestrophinopathy, autosomal recessive, MIM#611809; PMID: 29668979). (I) 0108 - This gene is associated with both recessive and dominant disease (OMIM). (I) 0112 - The condition associated with this gene has incomplete penetrance. This has been observed in individuals with dominant vitelliform macular dystrophy (PMID: 21273940). (I) 0200 - Variant is predicted to result in a missense amino acid change from proline to serine. (I) 0251 - This variant is heterozygous. (I) 0301 - Variant is absent from gnomAD (both v2 and v3). (SP) 0309 - An alternative amino acid change at the same position has been observed in gnomAD (v2) (4 heterozygotes, 0 homozygotes). (I) 0501 - Missense variant consistently predicted to be damaging by multiple in silico tools or highly conserved with a major amino acid change. (SP) 0600 - Variant is located in the annotated bestrophin domain (DECIPHER). (I) 0703 - Another missense variant comparable to the one identified in this case has moderate previous evidence for pathogenicity. This alternative change (p.(Pro152Ala) has been reported as pathogenic (ClinVar), and observed in two unrelated compound heterozygous families with recessive vitelliform macular dystrophy or bestrophinopathy (PMID: 21273940, PMID: 18179881). (SP) 0803 - This variant has limited previous evidence of pathogenicity in an unrelated individual. This variant has observed in a heterozygous individual with late onset best vitelliform macular dystrophy and their compound heterozygous nephew with bestrophinopathy (PMID: 33302512). (SP) 1007 - No published functional evidence has been identified for this variant. (I) 1102 - Strong phenotype match for this individual. (SP) 1208 - Inheritance information for this variant is not currently available in this individual. (I) Legend: (SP) - Supporting pathogenic, (I) - Information, (SB) - Supporting benign

Blueprint Genetics
Classification: Likely pathogenic for BEST1-related disorders. Last evaluated: 2019-10-31. Review status: criteria provided, single submitter. Criteria: ACMG Guidelines, 2015. Collection method: clinical testing. Allele origin: germline. Affected: yes. Observed: 1 variant allele.

Institute of Human Genetics, Univ. Regensburg, Univ. Regensburg
Classification: Pathogenic for Retinal dystrophy. Last evaluated: 2009-01-01. Review status: criteria provided, single submitter. Criteria: ACMG Guidelines, 2015. Collection method: clinical testing. Allele origin: germline. Affected: yes.

Literature cited by the submitters: PubMed 33302512 (cited by 3 submitters); PubMed 18179881 (cited by Labcorp Genetics (formerly Invitae), Labcorp and Victorian Clinical Genetics Services, Murdoch Childrens Research Institute); PubMed 21330666 (cited by Labcorp Genetics (formerly Invitae), Labcorp); PubMed 24560797 (cited by Labcorp Genetics (formerly Invitae), Labcorp); PubMed 31455904 (cited by Labcorp Genetics (formerly Invitae), Labcorp); PubMed 21273940 (cited by Victorian Clinical Genetics Services, Murdoch Childrens Research Institute); PubMed 29668979 (cited by Victorian Clinical Genetics Services, Murdoch Childrens Research Institute).

NM_004183.4(BEST1):c.454C>T (p.Pro152Ser)

Gene: BEST1 (bestrophin 1; plus strand). Cytogenetic location: 11q12.3.
Variant type: single nucleotide variant.
Coding change: c.454C>T on transcript NM_004183.4 (MANE Select); coding-DNA position 454, C replaced by T.
Protein change: p.Pro152Ser; replaces proline 152 with serine.
Molecular consequence: missense variant. On other transcripts: non-coding transcript variant (1).
Genome position (GRCh38, 1-based): chr11:61,955,924, C>T. VCF-style: chr11-61955924-C-T. GRCh37 (hg19) VCF-style: chr11-61723396-C-T.
Other names: c.454C>T (NM_004183.3); c.274C>T, p.Pro92Ser (NM_001139443.3, NM_001300786.2, NM_001300787.2); c.136C>T, p.Pro46Ser (NM_001363591.3); c.454C>T, p.Pro152Ser (NM_001363592.2); c.-722C>T (NM_001363593.3); short protein forms P46S, P92S, P152S.
Identifiers: ClinVar variation 3007895 (VCV003007895.6), dbSNP rs1417478879, ClinGen allele CA380835458.
Genomic context (GRCh38, chr11:61,955,924, plus strand): 5'-GCCAACCTGGGCAACGTGCTCATCCTGCGCAGCGTCAGCACCGCAGTCTACAAGCGCTTC[C>T]CCAGCGCCCAGCACCTGGTGCAAGCAGGTGGGCGGACCGGGAGCAACGGGGAGGCACCGG-3'
Protein context (NP_004174.1, residues 142-162): SVSTAVYKRF[Pro152Ser]SAQHLVQAGF